The following is an entry in ClinVar:

NM_001105247.2(ARMC5):c.432G>T (p.Ala144=)

Genes: ARMC5 (armadillo repeat containing 5; plus strand), LOC130058906 (ATAC-STARR-seq lymphoblastoid silent region 7419; plus strand). Cytogenetic location: 16p11.2.
Variant type: single nucleotide variant.
Coding change: c.432G>T on transcript NM_001105247.2 (MANE Select); coding-DNA position 432, G replaced by T.
Protein change: p.Ala144=; no amino-acid change (alanine 144 retained).
Molecular consequence: synonymous variant.
Genome position (GRCh38, 1-based): chr16:31,459,956, G>T. VCF-style: chr16-31459956-G-T. GRCh37 (hg19) VCF-style: chr16-31471277-G-T.
Other names: c.717G>T (NM_001288767.1); c.717G>T, p.Ala239= (NM_001288767.2); c.528G>T, p.Ala176= (NM_001301820.1); c.432G>T, p.Ala144= (NM_024742.2).
Identifiers: ClinVar variation 2672631 (VCV002672631.23), dbSNP rs200910451, ClinGen allele CA8029444.
Genomic context (GRCh38, chr16:31,459,956, plus strand): 5'-CCTGCGCAAGACGCTGGACTTGGCGCTCAGCATCCTAGCCGATTGCTGTACGGAAGGGGC[G>T]TGCCGGACCGAAGTGCGCAGACTCGGAGGCATACTCCCTTTGGGTAAGTGCTCCGCCCCC-3'
Protein context (NP_001098717.1, residues 134-154): SILADCCTEG[Ala144=]CRTEVRRLGG

ClinVar aggregate classification (germline): Likely benign. Review status: criteria provided, single submitter (1 of 4 stars). 2 submissions from 2 submitters: Likely benign (1). 1 of the submissions does not count toward it. Last evaluated 2023-11-01.

Conditions:
ARMC5-related disorder. Also called: ARMC5-related condition.

Allele frequency attached by ClinVar (database versions not stated): ExAC 0.00007; TOPMed 0.00013; gnomAD 0.00016; ESP Exome Variant Server 0.00024; gnomAD exomes 0.00033.
gnomAD v4.1: 489 of 1,602,436 alleles (0.031%); highest among the groups gnomAD compares: Non-Finnish European, 0.04%; no homozygotes.

Submissions (2):

CeGaT Center for Human Genetics Tuebingen
Classification: Likely benign. Last evaluated: 2023-11-01. Review status: criteria provided, single submitter. Criteria: CeGaT Center For Human Genetics Tuebingen Variant Classification Criteria Version 2. Collection method: clinical testing. Allele origin: germline. Affected: yes. Observed: 1 variant allele.
Comment: ARMC5: BP4, BP7

PreventionGenetics, part of Exact Sciences
Classification: Likely benign for ARMC5-related condition. Last evaluated: 2024-07-09. Review status: no assertion criteria provided. Collection method: clinical testing. Allele origin: germline. Not counted in ClinVar's aggregate classification.
Comment: This variant is classified as likely benign based on ACMG/AMP sequence variant interpretation guidelines (Richards et al. 2015 PMID: 25741868, with internal and published modifications).